The following is an entry in ClinVar:

NM_002500.5(NEUROD1):c.167G>A (p.Gly56Glu)

Gene: NEUROD1 (neuronal differentiation 1; minus strand). Cytogenetic location: 2q31.3.
Variant type: single nucleotide variant.
Coding change: c.167G>A on transcript NM_002500.5 (MANE Select); coding-DNA position 167, G replaced by A.
Protein change: p.Gly56Glu; replaces glycine 56 with glutamic acid.
Molecular consequence: missense variant.
Genome position (GRCh38, 1-based): chr2:181,678,694, C>T on the plus strand (G>A on the coding strand, the complement: NEUROD1 is on the minus strand). VCF-style: chr2-181678694-C-T. GRCh37 (hg19) VCF-style: chr2-182543421-C-T.
Other names: short protein forms G56E.
Identifiers: ClinVar variation 966356 (VCV000966356.9), dbSNP rs751732249, ClinGen allele CA2011175.
Genomic context (GRCh38, chr2:181,678,694, plus strand): 5'-TCCTCCTCTTCCTCTTCTTCCTCCTCTTCCAGGTCCTCATCTTCGTCCTCCTCCTCTCCC[C>T]CGTTCCTCAGTGAGTCCTCCTCTGCGTTCATGGTTTCGAGGTCGTCCTCCTTCTTGTCTG-3'
Protein context (NP_002491.3, residues 46-66): MNAEEDSLRN[Gly56Glu]GEEEDEDEDL

ClinVar aggregate classification (germline): Uncertain significance (1 of 4 stars; one submission).

Allele frequency attached by ClinVar (database versions not stated): gnomAD below 0.00001 and 0.00001; gnomAD exomes 0.00003 and 0.00006; ExAC 0.00007.
gnomAD v4.1: 40 of 1,611,538 alleles (0.0025%); highest among the groups gnomAD compares: South Asian, 0.039%; no homozygotes.

Submission:

Labcorp Genetics (formerly Invitae), Labcorp
Classification: Uncertain significance. Last evaluated: 2025-04-30. Review status: criteria provided, single submitter. Criteria: Invitae Variant Classification Sherloc (09022015). Collection method: clinical testing. Allele origin: germline.
Comment: This sequence change replaces glycine, which is neutral and non-polar, with glutamic acid, which is acidic and polar, at codon 56 of the NEUROD1 protein (p.Gly56Glu). This variant is present in population databases (rs751732249, gnomAD 0.05%). This variant has not been reported in the literature in individuals affected with NEUROD1-related conditions. ClinVar contains an entry for this variant (Variation ID: 966356). Invitae Evidence Modeling of protein sequence and biophysical properties (such as structural, functional, and spatial information, amino acid conservation, physicochemical variation, residue mobility, and thermodynamic stability) indicates that this missense variant is not expected to disrupt NEUROD1 protein function with a negative predictive value of 80%. In summary, the available evidence is currently insufficient to determine the role of this variant in disease. Therefore, it has been classified as a Variant of Uncertain Significance.